The following is an entry in ClinVar:

ClinVar aggregate classification (germline): Uncertain significance (1 of 4 stars; one submission).

Conditions:
Hereditary cancer-predisposing syndrome. Also called: Neoplastic Syndromes, Hereditary; Tumor predisposition; Hereditary neoplastic syndrome; Hereditary Cancer Syndrome. Identifiers: Orphanet 140162, MedGen C0027672, MeSH D009386, MONDO:0015356.

Submission:

Ambry Genetics
Classification: Uncertain significance for Hereditary cancer-predisposing syndrome. Last evaluated: 2026-07-17. Review status: criteria provided, single submitter. Criteria: Ambry Variant Classification Scheme 2023. Collection method: clinical testing. Allele origin: germline.
Comment: The p.R672T variant (also known as c.2015G>C), located in coding exon 18 of the POLE gene, results from a G to C substitution at nucleotide position 2015. The arginine at codon 672 is replaced by threonine, an amino acid with similar properties. This amino acid position is conserved. In addition, the in silico prediction for this alteration is inconclusive. Based on the available evidence, the clinical significance of this variant remains unclear.

NM_006231.4(POLE):c.2015G>C (p.Arg672Thr)

Gene: POLE (DNA polymerase epsilon, catalytic subunit; minus strand). Cytogenetic location: 12q24.33.
Variant type: single nucleotide variant.
Coding change: c.2015G>C on transcript NM_006231.4 (MANE Select); coding-DNA position 2015, G replaced by C.
Protein change: p.Arg672Thr; replaces arginine 672 with threonine.
Molecular consequence: missense variant.
Genome position (GRCh38, 1-based): chr12:132,668,646, C>G on the plus strand (G>C on the coding strand, the complement: POLE is on the minus strand). VCF-style: chr12-132668646-C-G. GRCh37 (hg19) VCF-style: chr12-133245232-C-G.
Other names: short protein forms R672T.
Identifiers: ClinVar variation 5027082 (VCV005027082.1).
Genomic context (GRCh38, chr12:132,668,646, plus strand): 5'-TCACCCACCCGTTTCCCACCGAGTGCCCACCCAGGCGGCCGACACTCACTGAACTCGCCC[C>G]TCCACTGCCAGGCCATCTTCCGCTGGCAGTTTGCTCCAGGCTTATTGAAGTCACAGGCAG-3'
Protein context (NP_006222.2, residues 662-682): NCQRKMAWQW[Arg672Thr]GEFMPASRSE